The following is an entry in ClinVar:

ClinVar aggregate classification (germline): Uncertain significance (1 of 4 stars; one submission).

Submission:

GeneDx
Classification: Uncertain significance. Last evaluated: 2026-08-22. Review status: criteria provided, single submitter. Criteria: GeneDx Variant Classification Process June 2021. Collection method: clinical testing. Allele origin: germline.
Comment: Has not been previously published as pathogenic or benign to our knowledge; Not observed at significant frequency in large population cohorts (gnomAD); In silico analysis does not support a benign or deleterious effect of this variant on protein structure/function

NM_019066.5(MAGEL2):c.616G>A (p.Gly206Arg)

Gene: MAGEL2 (MAGE family member L2; minus strand). Cytogenetic location: 15q11.2.
Variant type: single nucleotide variant.
Coding change: c.616G>A on transcript NM_019066.5 (MANE Select); coding-DNA position 616, G replaced by A.
Protein change: p.Gly206Arg; replaces glycine 206 with arginine.
Molecular consequence: missense variant.
Genome position (GRCh38, 1-based): chr15:23,647,127, C>T on the plus strand (G>A on the coding strand, the complement: MAGEL2 is on the minus strand). VCF-style: chr15-23647127-C-T. GRCh37 (hg19) VCF-style: chr15-23892274-C-T.
Other names: short protein forms G206R.
Identifiers: ClinVar variation 4086518 (VCV004086518.2).